The following is an entry in ClinVar:

ClinVar aggregate classification (germline): Uncertain significance. Review status: criteria provided, multiple submitters, no conflicts (2 of 4 stars). 2 submissions from 2 submitters: Uncertain significance (2). Last evaluated 2024-05-06.

Conditions:
Inborn genetic diseases. Identifiers: MedGen C0950123, MeSH D030342.

Allele frequency attached by ClinVar (database versions not stated): ESP Exome Variant Server 0.00062; gnomAD 0.00062; gnomAD exomes 0.00070; TOPMed 0.00071; ExAC 0.00054; 1000 Genomes Project 0.00060; 1000 Genomes Project 30x 0.00062.
gnomAD v4.1: 1,087 of 1,578,078 alleles (0.069%); highest among the groups gnomAD compares: Middle Eastern, 0.15%; 1 homozygote.

Submissions (2):

Labcorp Genetics (formerly Invitae), Labcorp
Classification: Uncertain significance. Last evaluated: 2024-05-06. Review status: criteria provided, single submitter. Criteria: Invitae Variant Classification Sherloc (09022015). Collection method: clinical testing. Allele origin: germline.
Comment: This sequence change replaces phenylalanine, which is neutral and non-polar, with serine, which is neutral and polar, at codon 974 of the ITGA8 protein (p.Phe974Ser). This variant is present in population databases (rs138034749, gnomAD 0.08%), and has an allele count higher than expected for a pathogenic variant. This variant has not been reported in the literature in individuals affected with ITGA8-related conditions. ClinVar contains an entry for this variant (Variation ID: 2053282). Advanced modeling of protein sequence and biophysical properties (such as structural, functional, and spatial information, amino acid conservation, physicochemical variation, residue mobility, and thermodynamic stability) performed at Invitae indicates that this missense variant is not expected to disrupt ITGA8 protein function with a negative predictive value of 80%. In summary, the available evidence is currently insufficient to determine the role of this variant in disease. Therefore, it has been classified as a Variant of Uncertain Significance.

Ambry Genetics
Classification: Uncertain significance for Inborn genetic diseases. Last evaluated: 2021-08-12. Review status: criteria provided, single submitter. Criteria: Ambry Variant Classification Scheme 2023. Collection method: clinical testing. Allele origin: germline.

NM_003638.3(ITGA8):c.2921T>C (p.Phe974Ser)

Gene: ITGA8 (integrin subunit alpha 8; minus strand). Cytogenetic location: 10p13.
Variant type: single nucleotide variant.
Coding change: c.2921T>C on transcript NM_003638.3 (MANE Select); coding-DNA position 2921, T replaced by C.
Protein change: p.Phe974Ser; replaces phenylalanine 974 with serine.
Molecular consequence: missense variant.
Genome position (GRCh38, 1-based): chr10:15,531,111, A>G on the plus strand (T>C on the coding strand, the complement: ITGA8 is on the minus strand). VCF-style: chr10-15531111-A-G. GRCh37 (hg19) VCF-style: chr10-15573110-A-G.
Other names: c.2876T>C, p.Phe959Ser (NM_001291494.2); short protein forms F974S, F959S.
Identifiers: ClinVar variation 2053282 (VCV002053282.4), dbSNP rs138034749, ClinGen allele CA5419671.